The following is an entry in ClinVar:

NM_003106.4(SOX2):c.137A>G (p.Asn46Ser)

Genes: SOX2-OT (SOX2 overlapping transcript; plus strand), SOX2 (SRY-box transcription factor 2; plus strand), LOC108281177 (SOX2 5' regulatory region; plus strand). Cytogenetic location: 3q26.33.
Variant type: single nucleotide variant.
Coding change: c.137A>G on transcript NM_003106.4 (MANE Select); coding-DNA position 137, A replaced by G.
Protein change: p.Asn46Ser; replaces asparagine 46 with serine.
Molecular consequence: missense variant.
Genome position (GRCh38, 1-based): chr3:181,712,497, A>G. VCF-style: chr3-181712497-A-G. GRCh37 (hg19) VCF-style: chr3-181430285-A-G.
Other names: short protein forms N46S.
Identifiers: ClinVar variation 3651994 (VCV003651994.2).
Genomic context (GRCh38, chr3:181,712,497, plus strand): 5'-CCGCGGCGGCGGCCGGCGGCAACCAGAAAAACAGCCCGGACCGCGTCAAGCGGCCCATGA[A>G]TGCCTTCATGGTGTGGTCCCGCGGGCAGCGGCGCAAGATGGCCCAGGAGAACCCCAAGAT-3'
Protein context (NP_003097.1, residues 36-56): NSPDRVKRPM[Asn46Ser]AFMVWSRGQR

ClinVar aggregate classification (germline): Uncertain significance (1 of 4 stars; one submission).

Conditions:
Anophthalmia/microphthalmia-esophageal atresia syndrome (MCOPS3). Also called: SOX2 Disorder; MICROPHTHALMIA AND ESOPHAGEAL ATRESIA SYNDROME; AEG SYNDROME. Identifiers: Orphanet 77298, MedGen C1859773, MONDO:0008799, OMIM 206900.

Submission:

Labcorp Genetics (formerly Invitae), Labcorp
Classification: Uncertain significance for Anophthalmia/microphthalmia-esophageal atresia syndrome. Last evaluated: 2024-05-02. Review status: criteria provided, single submitter. Criteria: Invitae Variant Classification Sherloc (09022015). Collection method: clinical testing. Allele origin: germline.
Comment: This sequence change replaces asparagine, which is neutral and polar, with serine, which is neutral and polar, at codon 46 of the SOX2 protein (p.Asn46Ser). This variant is not present in population databases (gnomAD no frequency). This missense change has been observed in individual(s) with anophthalmia (Invitae). Advanced modeling of protein sequence and biophysical properties (such as structural, functional, and spatial information, amino acid conservation, physicochemical variation, residue mobility, and thermodynamic stability) performed at Invitae indicates that this missense variant is expected to disrupt SOX2 protein function with a positive predictive value of 80%. This variant disrupts the p.Asn46 amino acid residue in SOX2. Other variant(s) that disrupt this residue have been determined to be pathogenic (PMID: 16470798). This suggests that this residue is clinically significant, and that variants that disrupt this residue are likely to be disease-causing. In summary, the available evidence is currently insufficient to determine the role of this variant in disease. Therefore, it has been classified as a Variant of Uncertain Significance.

Literature cited by the submitters: PubMed 16470798.